The following is an entry in ClinVar:

ClinVar aggregate classification (germline): Uncertain significance (1 of 4 stars; one submission).

Conditions:
POLD1-related polyposis and colorectal cancer syndrome (CRCS10). Also called: Colorectal cancer 10; COLORECTAL CANCER, SUSCEPTIBILITY TO, ON CHROMOSOME 19q; Colorectal cancer, susceptibility to, 10. Identifiers: Orphanet 220460, MedGen C2675481, MONDO:0012953, OMIM 612591.

Submission:

Labcorp Genetics (formerly Invitae), Labcorp
Classification: Uncertain significance for POLD1-related polyposis and colorectal cancer syndrome. Last evaluated: 2021-02-01. Review status: criteria provided, single submitter. Criteria: Invitae Variant Classification Sherloc (09022015). Collection method: clinical testing. Allele origin: germline.
Comment: In summary, the available evidence is currently insufficient to determine the role of this variant in disease. Therefore, it has been classified as a Variant of Uncertain Significance. Algorithms developed to predict the effect of missense changes on protein structure and function are either unavailable or do not agree on the potential impact of this missense change (SIFT: "Deleterious"; PolyPhen-2: "Probably Damaging"; Align-GVGD: "Class C15"). This variant has not been reported in the literature in individuals with POLD1-related conditions. This variant is not present in population databases (ExAC no frequency). This sequence change replaces methionine with valine at codon 527 of the POLD1 protein (p.Met527Val). The methionine residue is highly conserved and there is a small physicochemical difference between methionine and valine.

NM_002691.4(POLD1):c.1579A>G (p.Met527Val)

Gene: POLD1 (DNA polymerase delta 1, catalytic subunit; plus strand). Cytogenetic location: 19q13.33.
Variant type: single nucleotide variant.
Coding change: c.1579A>G on transcript NM_002691.4 (MANE Select); coding-DNA position 1579, A replaced by G.
Protein change: p.Met527Val; replaces methionine 527 with valine.
Molecular consequence: missense variant. On other transcripts: non-coding transcript variant (1).
Genome position (GRCh38, 1-based): chr19:50,407,067, A>G. VCF-style: chr19-50407067-A-G. GRCh37 (hg19) VCF-style: chr19-50910324-A-G.
Other names: c.1579A>G, p.Met527Val (NM_001256849.1, NM_001308632.1); short protein forms M527V.
Identifiers: ClinVar variation 1506324 (VCV001506324.8), dbSNP rs2122338116, ClinGen allele CA406980900.
Genomic context (GRCh38, chr19:50,407,067, plus strand): 5'-CGCCTGGCTGTGTACTGCCTGAAGGATGCCTACCTGCCACTGCGGCTGCTGGAGCGGCTC[A>G]TGGTGCTGGTGAACGCCGTGGAGATGGCGAGGGTCACTGGCGTGCCCCTCAGCTACCTGC-3'
Protein context (NP_002682.2, residues 517-537): YLPLRLLERL[Met527Val]VLVNAVEMAR